The following is an entry in ClinVar:

NM_001267550.2(TTN):c.31107A>T (p.Glu10369Asp)

Gene: TTN (titin; minus strand). Cytogenetic location: 2q31.2.
Variant type: single nucleotide variant.
Coding change: c.31107A>T on transcript NM_001267550.2 (MANE Select); coding-DNA position 31107, A replaced by T.
Protein change: p.Glu10369Asp; replaces glutamic acid 10369 with aspartic acid.
Molecular consequence: missense variant. On other transcripts: intron variant (3).
Genome position (GRCh38, 1-based): chr2:178,695,965, T>A on the plus strand (A>T on the coding strand, the complement: TTN is on the minus strand). VCF-style: chr2-178695965-T-A. GRCh37 (hg19) VCF-style: chr2-179560692-T-A.
Other names: c.30156A>T, p.Glu10052Asp (NM_001256850.1); c.27375A>T, p.Glu9125Asp (NM_133378.4); c.13282+42117A>T (NM_003319.4); c.13858+42117A>T (NM_133437.4); c.13657+42117A>T (NM_133432.3); short protein forms E10369D, E9125D, E10052D.
Identifiers: ClinVar variation 191997 (VCV000191997.1), dbSNP rs60513567, ClinGen allele CA238060.
Genomic context (GRCh38, chr2:178,695,965, plus strand): 5'-TTGGTAAGCCTCTTCCCACTCTTCCTCCCCTTCGTCATAGCCTTCTTCCCTTTCATAGTA[T>A]TCTTGCCCTTCTTCAAAATCTTCTTCCCATTCCTCGTGAACTTCTTTTTTAGCTTCTACC-3'
Protein context (NP_001254479.2, residues 10359-10379): EWEEDFEEGQ[Glu10369Asp]YYEREEGYDE

ClinVar aggregate classification (germline): Uncertain significance (1 of 4 stars; one submission).

Allele frequency attached by ClinVar (database versions not stated): 1000 Genomes Project 0.00020; 1000 Genomes Project 30x 0.00031; gnomAD 0.00001; TOPMed 0.00001.

Submission:

Biesecker Lab/Clinical Genomics Section, National Institutes of Health
Classification: Uncertain significance. Last evaluated: 2013-06-24. Review status: criteria provided, single submitter. Criteria: Ng et al. (Circ Cardiovasc Genet. 2013). Collection method: research. Allele origin: unknown. Observed: 1 variant allele. Study: ClinSeq.
Comment: The study set was not selected for affection status in relation to any cancer. Pathogenicity categories were based on literature curation. See Pubmed ID:23861362 for details.

Medical sequencing